The following is an entry in ClinVar:

NM_205768.3(ZBTB18):c.306del (p.Ile103fs)

Gene: ZBTB18 (zinc finger and BTB domain containing 18; plus strand). Cytogenetic location: 1q44.
Variant type: Deletion.
Coding change: c.306del on transcript NM_205768.3 (MANE Select); coding-DNA position 306, one base deleted (C; older notation c.306delC).
Protein change: p.Ile103fs; shifts the reading frame from isoleucine 103.
Molecular consequence: frameshift variant.
Genome position (GRCh38, 1-based): chr1:244,054,080, C deleted; the last of 3 consecutive C bases (chr1:244,054,078-244,054,080); deleting any one gives the same sequence. VCF-style (leftmost placement, unchanged base first): chr1-244054077-GC-G. GRCh37 (hg19) VCF-style: chr1-244217379-GC-G.
Other names: NM_205768.3:c.306del; c.279del, p.Ile94fs (NM_001278196.2); c.279delC, p.Ile94Leufs (NM_006352.5); short protein forms I103fs, I94fs.
Identifiers: ClinVar variation 2412699 (VCV002412699.1), dbSNP rs2527555688, ClinGen allele CA2573332361.
Genomic context (GRCh38, chr1:244,054,077, plus strand): 5'-CCCCGCTTTCGCTCTCCTGCTTGAATTCATGTATGAAGGGAAACTCCAGTTCAAAGACTT[GC>G]CCATTGAAGACGTGCTAGCAGCTGCCAGTTATCTCCACATGTATGACATTGTCAAAGTCT-3'

ClinVar aggregate classification (germline): Likely pathogenic (1 of 4 stars; one submission).

Conditions:
Intellectual developmental disorder, autosomal dominant 22. Also called: Intellectual disability, autosomal dominant 22. Identifiers: MedGen CN029689, MONDO:0012869, OMIM 612337.

Submission:

Broad Center for Mendelian Genomics, Broad Institute of MIT and Harvard
Classification: Likely pathogenic for Intellectual developmental disorder, autosomal dominant 22. Last evaluated: 2023-01-25. Review status: criteria provided, single submitter. Criteria: ACMG Guidelines, 2015. Collection method: curation. Allele origin: germline. Inheritance: Autosomal dominant inheritance.
Comment: Trio exome analysis showed this variant to be de novo. The p.Ile103LeufsTer5 variant in ZBTB18 has not been previously reported in individuals with autosomal dominant intellectual disability 22. This variant was absent from large population studies. This variant is predicted to cause a frameshift, which alters the protein‚Äôs amino acid sequence beginning at position 103 and leads to a premature termination codon 5 amino acids downstream. This termination codon occurs within the last exon and is more likely to escape nonsense mediated decay (NMD) and result in a truncated protein. However, the variant is predicted to remove >80% of the normal protein sequence and is therefore likely to lead to loss of function. Heterozygous loss of function of the ZBTB18 gene is strongly associated to autosomal dominant intellectual disability 22. In summary, although additional studies are required to fully establish its clinical significance, this variant is likely pathogenic for autosomal dominant intellectual disability. ACMG/AMP Criteria applied: PVS1_Strong, PS2_Supporting, PM2_Supporting (Richards 2015).